The following is an entry in ClinVar:

ClinVar aggregate classification (germline): Likely benign (1 of 4 stars; one submission).

Conditions:
TUBA4A-related disorder. Also called: TUBA4A-related condition.

Submission:

PreventionGenetics, part of Exact Sciences
Classification: Likely benign for TUBA4A-related condition. Last evaluated: 2025-02-13. Review status: criteria provided, single submitter. Criteria: ACMG Guidelines, 2015. Collection method: clinical testing. Allele origin: germline.
Comment: This variant is classified as likely benign based on ACMG/AMP sequence variant interpretation guidelines (Richards et al. 2015 PMID: 25741868, with internal and published modifications).

NM_006000.3(TUBA4A):c.600T>C (p.Cys200=)

Gene: TUBA4A (tubulin alpha 4a; minus strand). Cytogenetic location: 2q35.
Variant type: single nucleotide variant.
Coding change: c.600T>C on transcript NM_006000.3 (MANE Select); coding-DNA position 600, T replaced by C.
Protein change: p.Cys200=; no amino-acid change (cysteine 200 retained).
Molecular consequence: synonymous variant.
Genome position (GRCh38, 1-based): chr2:219,251,099, A>G on the plus strand (T>C on the coding strand, the complement: TUBA4A is on the minus strand). VCF-style: chr2-219251099-A-G. GRCh37 (hg19) VCF-style: chr2-220115821-A-G.
Other names: c.555T>C, p.Cys185= (NM_001278552.2).
Identifiers: ClinVar variation 4990082 (VCV004990082.1).